The following is an entry in ClinVar:

ClinVar aggregate classification (germline): Uncertain significance (1 of 4 stars; one submission).

Allele frequency attached by ClinVar (database versions not stated): TOPMed below 0.00001; ExAC 0.00001; gnomAD 0.00001; gnomAD exomes 0.00001; ESP Exome Variant Server 0.00008.

Submission:

Labcorp Genetics (formerly Invitae), Labcorp
Classification: Uncertain significance. Last evaluated: 2025-10-05. Review status: criteria provided, single submitter. Criteria: Invitae Variant Classification Sherloc (09022015). Collection method: clinical testing. Allele origin: germline.
Comment: This sequence change replaces arginine, which is basic and polar, with tryptophan, which is neutral and slightly polar, at codon 157 of the ADGRA3 protein (p.Arg157Trp). This variant is present in population databases (rs147434497, gnomAD 0.007%). This variant has not been reported in the literature in individuals affected with ADGRA3-related conditions. ClinVar contains an entry for this variant (Variation ID: 1345587). An algorithm developed to predict the effect of missense changes on protein structure and function (PolyPhen-2) suggests that this variant is likely to be disruptive. In summary, the available evidence is currently insufficient to determine the role of this variant in disease. Therefore, it has been classified as a Variant of Uncertain Significance.

NM_145290.4(ADGRA3):c.469C>T (p.Arg157Trp)

Gene: ADGRA3 (adhesion G protein-coupled receptor A3; minus strand). Cytogenetic location: 4p15.2.
Variant type: single nucleotide variant.
Coding change: c.469C>T on transcript NM_145290.4 (MANE Select); coding-DNA position 469, C replaced by T.
Protein change: p.Arg157Trp; replaces arginine 157 with tryptophan.
Molecular consequence: missense variant.
Genome position (GRCh38, 1-based): chr4:22,454,870, G>A on the plus strand (C>T on the coding strand, the complement: ADGRA3 is on the minus strand). VCF-style: chr4-22454870-G-A. GRCh37 (hg19) VCF-style: chr4-22456493-G-A.
Other names: short protein forms R157W.
Identifiers: ClinVar variation 1345587 (VCV001345587.8), dbSNP rs147434497, ClinGen allele CA2874255.